The following continues an entry in ClinVar:

NM_007294.4(BRCA1):c.2864C>A (p.Ser955Ter)

Gene: BRCA1. ClinVar aggregate classification (germline): Pathogenic. Pathogenic (1).

Submissions 9 to 16 of 16:

Women's Health and Genetics/Laboratory Corporation of America, LabCorp
Classification: Pathogenic for Hereditary breast and ovarian cancer syndrome. Last evaluated: 2019-07-15. Review status: criteria provided, single submitter. Criteria: LabCorp Variant Classification Summary - May 2015. Collection method: clinical testing. Allele origin: germline. Not counted in ClinVar's aggregate classification.
Comment: Variant summary: BRCA1 c.2864C>A (p.Ser955X) results in a premature termination codon, predicted to cause a truncation of the encoded protein or absence of the protein due to nonsense mediated decay, which are commonly known mechanisms for disease. Truncations downstream of this position have been classified as pathogenic by our laboratory. The variant was absent in 251560 control chromosomes. c.2864C>A has been reported in the literature in multiple individuals affected with Hereditary Breast and Ovarian Cancer (including Borg_2010, Fackenthal_2012, Heramb_2018, Litton_2011, Thomassen_2008, Vaidyanathan_2009, Vogel_2007, Weitzel_2005). These data indicate that the variant is very likely to be associated with disease. Eight clinical diagnostic laboratories have submitted clinical-significance assessments for this variant to ClinVar after 2014 without evidence for independent evaluation. All laboratories classified the variant as pathogenic. Based on the evidence outlined above, the variant was classified as pathogenic.

Consortium of Investigators of Modifiers of BRCA1/2 (CIMBA), c/o University of Cambridge
Classification: Pathogenic for Breast-ovarian cancer, familial, susceptibility to, 1. Last evaluated: 2015-10-02. Review status: criteria provided, single submitter. Criteria: CIMBA Mutation Classification guidelines May 2016. Collection method: clinical testing. Allele origin: germline. Not counted in ClinVar's aggregate classification.

Department of Medical Genetics, Oslo University Hospital
Classification: Pathogenic for Breast-ovarian cancer, familial, susceptibility to, 1. Last evaluated: 2015-04-21. Review status: criteria provided, single submitter. Criteria: ACMG Guidelines, 2015. Collection method: clinical testing. Allele origin: germline. Affected: yes. Observed: 1 variant allele. Not counted in ClinVar's aggregate classification.

Counsyl
Classification: Pathogenic for Breast-ovarian cancer, familial, susceptibility to, 1. Last evaluated: 2015-12-28. Review status: no assertion criteria provided. Collection method: clinical testing. Allele origin: unknown. Not counted in ClinVar's aggregate classification.

Pathway Genomics
Classification: Pathogenic for Breast-ovarian cancer, familial 1. Last evaluated: 2014-11-06. Review status: no assertion criteria provided. Collection method: clinical testing. Allele origin: germline. Not counted in ClinVar's aggregate classification.

Research Molecular Genetics Laboratory, Women's College Hospital, University of Toronto
Classification: Pathogenic for Hereditary breast ovarian cancer syndrome. Last evaluated: 2014-01-31. Review status: no assertion criteria provided. Collection method: research. Allele origin: germline. Affected: yes. Study: The Canadian Open Genetics Repository (COGR). Not counted in ClinVar's aggregate classification.

Sharing Clinical Reports Project (SCRP)
Classification: Pathogenic for Breast-ovarian cancer, familial 1. Last evaluated: 2011-09-14. Review status: no assertion criteria provided. Collection method: clinical testing. Allele origin: germline. Not counted in ClinVar's aggregate classification.

Breast Cancer Information Core (BIC) (BRCA1)
Classification: Pathogenic for Breast-ovarian cancer, familial 1. Last evaluated: 2004-02-20. Review status: no assertion criteria provided. Collection method: clinical testing. Allele origin: germline. Affected: yes. Observed: 4 variant alleles. Not counted in ClinVar's aggregate classification.

Literature cited by the submitters: PubMed 20104584 (cited by 5 submitters); PubMed 16030099 (cited by 5 submitters); PubMed 19805903 (cited by 5 submitters); PubMed 26187060 (cited by Labcorp Genetics (formerly Invitae), Labcorp and Ambry Genetics); PubMed 29339979 (cited by 3 submitters); PubMed 29446198 (cited by 5 submitters); PubMed 16267036 (cited by Ambry Genetics and Women's Health and Genetics/Laboratory Corporation of America, LabCorp); PubMed 17925560 (cited by 5 submitters); PubMed 18465347 (cited by 4 submitters); PubMed 21913181 (cited by Ambry Genetics and Women's Health and Genetics/Laboratory Corporation of America, LabCorp); PubMed 22034289 (cited by 4 submitters); PubMed 28127413 (cited by Ambry Genetics); PubMed 30350268 (cited by 3 submitters); PubMed 31209999 (cited by 3 submitters); PubMed 21614564 (cited by All of Us Research Program, National Institutes of Health and Color Diagnostics, LLC DBA Color Health); PubMed 23233716 (cited by 3 submitters).